The following is an entry in ClinVar:

ClinVar aggregate classification (germline): Benign. Review status: criteria provided, multiple submitters, no conflicts (2 of 4 stars). 11 submissions from 11 submitters: Benign (9). 2 of the submissions do not count toward it. Last evaluated 2026-02-02.

Conditions:
Dilated cardiomyopathy 1KK (CMD1KK). Identifiers: Orphanet 154, Orphanet 75249, MedGen C3714995, MONDO:0014100, OMIM 615248.

Allele frequency attached by ClinVar (database versions not stated): gnomAD exomes 0.00273; gnomAD 0.01302 and 0.01362; 1000 Genomes Project 0.01418; TOPMed 0.01436; ESP Exome Variant Server 0.01507; 1000 Genomes Project 30x 0.01530.
gnomAD v4.1: 6,073 of 1,609,998 alleles (0.38%); highest among the groups gnomAD compares: African/African-American, 4.1%; 83 homozygotes.

Submissions (11):

Labcorp Genetics (formerly Invitae), Labcorp
Classification: Benign for Dilated cardiomyopathy 1KK. Last evaluated: 2026-02-02. Review status: criteria provided, single submitter. Criteria: Invitae Variant Classification Sherloc (09022015). Collection method: clinical testing. Allele origin: germline.

Mayo Clinic Laboratories, Mayo Clinic
Classification: Benign. Last evaluated: 2023-12-05. Review status: criteria provided, single submitter. Criteria: ACMG Guidelines, 2015. Collection method: clinical testing. Allele origin: germline. Observed: 34 variant alleles.
Comment: BS1, BS2, BP4, BP7

ARUP Laboratories, Molecular Genetics and Genomics, ARUP Laboratories
Classification: Benign. Last evaluated: 2023-10-09. Review status: criteria provided, single submitter. Criteria: ARUP Molecular Germline Variant Investigation Process 2024. Collection method: clinical testing. Allele origin: germline.

Women's Health and Genetics/Laboratory Corporation of America, LabCorp
Classification: Benign. Last evaluated: 2023-08-19. Review status: criteria provided, single submitter. Criteria: LabCorp Variant Classification Summary - May 2015. Collection method: clinical testing. Allele origin: germline.

Genome Diagnostics Laboratory, University Medical Center Utrecht
Classification: Benign for Dilated cardiomyopathy 1KK. Last evaluated: 2016-10-26. Review status: criteria provided, single submitter. Criteria: ACGS Guidelines, 2013. Collection method: clinical testing. Allele origin: germline. Affected: yes. Study: VKGL Data-share Consensus.

Clinical Genetics DNA and cytogenetics Diagnostics Lab, Erasmus MC, Erasmus Medical Center
Classification: Benign for Dilated cardiomyopathy 1KK. Last evaluated: 2015-09-21. Review status: criteria provided, single submitter. Criteria: ACGS Guidelines, 2013. Collection method: clinical testing. Allele origin: germline. Affected: yes. Study: VKGL Data-share Consensus.

Laboratory for Molecular Medicine, Mass General Brigham Personalized Medicine
Classification: Benign. Last evaluated: 2014-11-24. Review status: criteria provided, single submitter. Criteria: LMM Criteria. Collection method: clinical testing. Allele origin: germline. Observed: 16 variant alleles.
Comment: 2925+9G>C in intron 14 of MYPN: This variant is not expected to have clinical si gnificance because it is not located within the conserved splice consensus seque nce. It has been identified in 4.1% (180/4406) of African American chromosomes f rom a broad population by the NHLBI Exome Sequencing Project (dbSNP rs12241644).

GeneDx
Classification: Benign. Last evaluated: 2014-04-20. Review status: criteria provided, single submitter. Criteria: GeneDx Variant Classification (06012015). Collection method: clinical testing. Allele origin: germline. Affected: yes.
Comment: This variant is considered likely benign or benign based on one or more of the following criteria: it is a conservative change, it occurs at a poorly conserved position in the protein, it is predicted to be benign by multiple in silico algorithms, and/or has population frequency not consistent with disease.

Breakthrough Genomics
Classification: Benign. Review status: criteria provided, single submitter. Criteria: ACMG Guidelines, 2015. Collection method: not provided. Allele origin: germline. Inheritance: Autosomal recessive inheritance. Affected: yes.

Clinical Genetics, Academic Medical Center
Classification: Benign. Review status: no assertion criteria provided. Collection method: clinical testing. Allele origin: germline. Affected: yes. Study: VKGL Data-share Consensus. Not counted in ClinVar's aggregate classification.

Diagnostic Laboratory, Department of Genetics, University Medical Center Groningen
Classification: Likely benign for Dilated cardiomyopathy 1KK. Review status: no assertion criteria provided. Collection method: clinical testing. Allele origin: germline. Affected: yes. Study: VKGL Data-share Consensus. Not counted in ClinVar's aggregate classification.

NM_032578.4(MYPN):c.2925+9G>C

Gene: MYPN (myopalladin; plus strand). Cytogenetic location: 10q21.3.
Variant type: single nucleotide variant.
Coding change: c.2925+9G>C on transcript NM_032578.4 (MANE Select); 9 bases into the intron after coding-DNA position 2925, G replaced by C.
Molecular consequence: intron variant.
Genome position (GRCh38, 1-based): chr10:68,189,135, G>C. VCF-style: chr10-68189135-G-C. GRCh37 (hg19) VCF-style: chr10-69948892-G-C.
Other names: p.?; c.2925+9G>C (NM_001256267.2); c.2043+9G>C (NM_001256268.2).
Identifiers: ClinVar variation 138422 (VCV000138422.30), dbSNP rs12241644, ClinGen allele CA333123.